The following is an entry in ClinVar:

NM_000512.5(GALNS):c.1286C>T (p.Thr429Ile)

Gene: GALNS (galactosamine (N-acetyl)-6-sulfatase; minus strand). Cytogenetic location: 16q24.3.
Variant type: single nucleotide variant.
Coding change: c.1286C>T on transcript NM_000512.5 (MANE Select); coding-DNA position 1286, C replaced by T.
Protein change: p.Thr429Ile; replaces threonine 429 with isoleucine.
Molecular consequence: missense variant.
Genome position (GRCh38, 1-based): chr16:88,822,667, G>A on the plus strand (C>T on the coding strand, the complement: GALNS is on the minus strand). VCF-style: chr16-88822667-G-A. GRCh37 (hg19) VCF-style: chr16-88889075-G-A.
Other names: p.Thr429Ile; c.731C>T, p.Thr244Ile (NM_001323543.2); c.1304C>T, p.Thr435Ile (NM_001323544.2); short protein forms T244I, T429I, T435I.
Identifiers: ClinVar variation 1332851 (VCV001332851.7), dbSNP rs768180795, ClinGen allele CA8234732.
Genomic context (GRCh38, chr16:88,822,667, plus strand): 5'-CCTGGGTCCCGTCCCAGGTGGAAGATCAGGGGCAGCTTCGTGTGGTCTTCCAGATTGTGA[G>A]TTGTGACCCCTGAAACGTTCTGCCCAGGGCAGAAATCAATGCCCTGCAATGAGAAGAGGG-3'
Protein context (NP_000503.1, residues 419-439): CPGQNVSGVT[Thr429Ile]HNLEDHTKLP

ClinVar aggregate classification (germline): Uncertain significance. Review status: criteria provided, multiple submitters, no conflicts (2 of 4 stars). 3 submissions from 3 submitters: Uncertain significance (3). Last evaluated 2023-08-25.

Conditions:
Mucopolysaccharidosis, MPS-IV-A (MPS4A). Also called: mucopolysaccharidosis type 4A; GALACTOSAMINE-6-SULFATASE DEFICIENCY; GALNS DEFICIENCY; MORQUIO A DISEASE; Morquio syndrome A, mild; MORQUIO SYNDROME A. Identifiers: Orphanet 309297, Orphanet 582, MedGen C0086651, MONDO:0009659, OMIM 253000.

Allele frequency attached by ClinVar (database versions not stated): ExAC 0.00001; gnomAD exomes 0.00001; TOPMed 0.00003; gnomAD 0.00004 and 0.00005.
gnomAD v4.1: 10 of 1,613,118 alleles (0.00062%); highest among the groups gnomAD compares: African/African-American, 0.008%; no homozygotes.

Submissions (3):

Blueprint Genetics
Classification: Uncertain significance. Last evaluated: 2023-08-25. Review status: criteria provided, single submitter. Criteria: ACMG Guidelines, 2015. Collection method: clinical testing. Allele origin: germline.

Kasturba Medical College, Manipal, Kasturba Medical College, Manipal, Manipal Academy of Higher Education, Manipal, India
Classification: Uncertain significance for Mucopolysaccharidosis, MPS-IV-A. Last evaluated: 2022-05-09. Review status: criteria provided, single submitter. Criteria: ACMG Guidelines, 2015. Collection method: clinical testing. Allele origin: germline. Affected: yes.

Foundation for Research in Genetics and Endocrinology, FRIGE's Institute of Human Genetics
Classification: Uncertain significance for Mucopolysaccharidosis, MPS-IV-A. Review status: criteria provided, single submitter. Criteria: ACMG Guidelines, 2015. Collection method: clinical testing. Allele origin: germline. Inheritance: Autosomal recessive inheritance. Affected: yes. Observed: 1 homozygote.
Comment: A Hemozygous missense variation in exon 12 of the GALNS gene that results in the amino acid substitution of Isoleucine for threonine at codon 429 was detected. The observed variant c.14286C>T (p.Thr429Ile) has not been reported in the 1000 genomes and has MAF of 0.0008% in the gnomAD databases. The in silico prediction of the variant is probably damaging by SIFT and MutationTaster2. The reference codon is conserved across species. In summary, the variant meets our criteria to be classified as a variant of uncertain significance.